The following is an entry in ClinVar:

NM_000069.3(CACNA1S):c.1298TCT[1] (p.Phe434del)

Gene: CACNA1S (calcium voltage-gated channel subunit alpha1 S; minus strand). Cytogenetic location: 1q32.1.
Variant type: Microsatellite.
Coding change: c.1298TCT[1] on transcript NM_000069.3 (MANE Select); one copy of the 3-base unit TCT starting at c.1298; the reference has two copies in a row; one copy, 3 bases deleted; also written c.1301_1303del.
Protein change: p.Phe434del; deletes phenylalanine 434.
Molecular consequence: inframe deletion.
Genome position (GRCh38, 1-based): chr1:201,083,252-201,083,254, AGA deleted on the plus strand (TCT on the coding strand, the reverse complement: CACNA1S is on the minus strand); deleting any 3 consecutive bases within chr1:201,083,252-201,083,257 gives the same sequence; the position shown is the placement nearest the transcript's 3' end. VCF-style (leftmost placement, unchanged base first): chr1-201083251-TAGA-T. GRCh37 (hg19) VCF-style: chr1-201052379-TAGA-T.
Other names: c.1301_1303del (NM_000069.3); short protein forms F434del.
Identifiers: ClinVar variation 3758951 (VCV003758951.3).

ClinVar aggregate classification (germline): Uncertain significance. Review status: criteria provided, multiple submitters, no conflicts (2 of 4 stars). 2 submissions from 2 submitters: Uncertain significance (2). Last evaluated 2024-11-19.

Conditions:
Malignant hyperthermia, susceptibility to, 5 (MHS5). Also called: CACNA1S-Related Malignant Hyperthermia Susceptibility. Identifiers: Orphanet 423, MedGen C1866077, MONDO:0011163, OMIM 601887.
Hypokalemic periodic paralysis, type 1. Also called: Hypokalemic Periodic Paralysis Type 1 (AD); HypoPP. Identifiers: Orphanet 681, MedGen C3714580, MONDO:0042979, OMIM 170400.

Submissions (2):

Labcorp Genetics (formerly Invitae), Labcorp
Classification: Uncertain significance for Hypokalemic periodic paralysis, type 1; Malignant hyperthermia, susceptibility to, 5. Last evaluated: 2024-11-19. Review status: criteria provided, single submitter. Criteria: Invitae Variant Classification Sherloc (09022015). Collection method: clinical testing. Allele origin: germline.
Comment: This variant, c.1301_1303del, results in the deletion of 1 amino acid(s) of the CACNA1S protein (p.Phe434del), but otherwise preserves the integrity of the reading frame. This variant is present in population databases (no rsID available, gnomAD 0.007%). This variant has not been reported in the literature in individuals affected with CACNA1S-related conditions. Experimental studies and prediction algorithms are not available or were not evaluated, and the functional significance of this variant is currently unknown. In summary, the available evidence is currently insufficient to determine the role of this variant in disease. Therefore, it has been classified as a Variant of Uncertain Significance.

Color Diagnostics, LLC DBA Color Health
Classification: Uncertain significance for Malignant hyperthermia, susceptibility to, 5. Last evaluated: 2023-06-16. Review status: criteria provided, single submitter. Criteria: ACMG Guidelines, 2015. Collection method: clinical testing. Allele origin: germline.
Comment: This variant results in the in-frame deletion of one amino acid at codon 434 in the CACNA1S protein. To our knowledge, functional studies have not been reported for this variant. This variant has not been reported in individuals affected with CACNA1S-related disorders in the literature. This variant has been identified in 1/31392 chromosomes in the general population by the Genome Aggregation Database (gnomAD). The available evidence is insufficient to determine the role of this variant in disease conclusively. Therefore, this variant is classified as a Variant of Uncertain Significance.